The following is an entry in ClinVar:

ClinVar aggregate classification (germline): Pathogenic/Likely pathogenic. Review status: criteria provided, multiple submitters, no conflicts (2 of 4 stars). 6 submissions from 6 submitters: Pathogenic (3); Likely pathogenic (3). Last evaluated 2025-08-14.

Conditions:
ACSF3-related disorder. Also called: ACSF3-related condition.
Combined malonic and methylmalonic acidemia. Identifiers: Orphanet 289504, MedGen C3280314, MONDO:0013661, OMIM 614265.

Allele frequency attached by ClinVar (database versions not stated): ExAC 0.00002; gnomAD exomes 0.00002 and 0.00005; gnomAD 0.00003 and 0.00004; TOPMed 0.00003.
gnomAD v4.1: 75 of 1,613,136 alleles (0.0046%); highest among the groups gnomAD compares: Non-Finnish European, 0.0063%; 1 homozygote.

Submissions (6):

Natera, Inc.
Classification: Likely pathogenic for Combined malonic and methylmalonic aciduria. Last evaluated: 2025-08-14. Review status: criteria provided, single submitter. Criteria: Natera Variant Classification Schema (03/2026). Collection method: clinical testing. Allele origin: germline.
Comment: The c.781G>T variant in ACSF3 is a nonsense variant predicted to introduce a stop codon at amino acid 261. This variant is expected to result in nonsense mediated decay, truncation, or a dysfunctional protein product. This variant is rare in the general population with a frequency below the threshold expected for the associated phenotype(s). Given the available evidence, this variant is classified as Likely Pathogenic.

Labcorp Genetics (formerly Invitae), Labcorp
Classification: Pathogenic for Combined malonic and methylmalonic acidemia. Last evaluated: 2024-04-06. Review status: criteria provided, single submitter. Criteria: Invitae Variant Classification Sherloc (09022015). Collection method: clinical testing. Allele origin: germline.
Comment: This sequence change creates a premature translational stop signal (p.Gly261*) in the ACSF3 gene. It is expected to result in an absent or disrupted protein product. Loss-of-function variants in ACSF3 are known to be pathogenic (PMID: 21841779, 26827111). This variant is present in population databases (rs746877433, gnomAD 0.006%). This premature translational stop signal has been observed in individual(s) with methylmalonic acidaemia (PMID: 26827111). ClinVar contains an entry for this variant (Variation ID: 943596). For these reasons, this variant has been classified as Pathogenic.

Baylor Genetics
Classification: Pathogenic for Combined malonic and methylmalonic acidemia. Last evaluated: 2024-03-20. Review status: criteria provided, single submitter. Criteria: ACMG Guidelines, 2015. Collection method: clinical testing. Allele origin: unknown.

Blueprint Genetics
Classification: Likely pathogenic for ACSF3-related disorders. Last evaluated: 2024-01-29. Review status: criteria provided, single submitter. Criteria: ACMG Guidelines, 2015. Collection method: clinical testing. Allele origin: germline. Affected: yes. Observed: 5 variant alleles.

Revvity Omics, Revvity
Classification: Likely pathogenic for Combined malonic and methylmalonic acidemia. Last evaluated: 2023-05-22. Review status: criteria provided, single submitter. Criteria: ACMG Guidelines, 2015. Collection method: clinical testing. Allele origin: germline.

Fulgent Genetics
Classification: Pathogenic for Combined malonic and methylmalonic acidemia. Last evaluated: 2021-12-16. Review status: criteria provided, single submitter. Criteria: ACMG Guidelines, 2015. Collection method: clinical testing. Allele origin: unknown.

Literature cited by the submitters: PubMed 21841779 (cited by Labcorp Genetics (formerly Invitae), Labcorp); PubMed 26827111 (cited by Labcorp Genetics (formerly Invitae), Labcorp).

NM_001243279.3(ACSF3):c.781G>T (p.Gly261Ter)

Gene: ACSF3 (acyl-CoA synthetase family member 3; plus strand). Cytogenetic location: 16q24.3.
Variant type: single nucleotide variant.
Coding change: c.781G>T on transcript NM_001243279.3 (MANE Select); coding-DNA position 781, G replaced by T.
Protein change: p.Gly261Ter; replaces glycine 261 with a stop codon.
Molecular consequence: nonsense. On other transcripts: 5 prime UTR variant (1), non-coding transcript variant (3).
Genome position (GRCh38, 1-based): chr16:89,102,718, G>T. VCF-style: chr16-89102718-G-T. GRCh37 (hg19) VCF-style: chr16-89169126-G-T.
Other names: c.781G>T, p.Gly261Ter (NM_001127214.4, NM_174917.5); c.-15G>T (NM_001284316.2); short protein forms G261*.
Identifiers: ClinVar variation 943596 (VCV000943596.13), dbSNP rs746877433, ClinGen allele CA8237791.